The following is an entry in ClinVar:

ClinVar aggregate classification (germline): Pathogenic (1 of 4 stars; one submission).

Conditions:
Duchenne muscular dystrophy (DMD). Also called: MUSCULAR DYSTROPHY, PSEUDOHYPERTROPHIC PROGRESSIVE, DUCHENNE TYPE; Duchenne Muscular Dystrophy (DMD). Identifiers: Orphanet 98896, MedGen C0013264, MONDO:0010679, OMIM 310200.

Submission:

Labcorp Genetics (formerly Invitae), Labcorp
Classification: Pathogenic for Duchenne muscular dystrophy. Last evaluated: 2023-03-13. Review status: criteria provided, single submitter. Criteria: Invitae Variant Classification Sherloc (09022015). Collection method: clinical testing. Allele origin: unknown.
Comment: For these reasons, this variant has been classified as Pathogenic. This variant disrupts a region of the DMD protein in which other variant(s) (Deletion Exon 48) have been determined to be pathogenic (PMID: 2063877, 9007319, 25482253, 28247318). This suggests that this is a clinically significant region of the protein, and that variants that disrupt it are likely to be disease-causing. This variant has not been reported in the literature in individuals affected with DMD-related conditions. This variant results in the deletion of exons 45-50 and part of 51 (c.6439-19048_7481delinsCACATCACATCACATCACATCAC) of the DMD gene. It is expected to disrupt RNA splicing. Variants that disrupt the donor or acceptor splice site typically lead to a loss of protein function (PMID: 16199547), and loss-of-function variants in DMD are known to be pathogenic (PMID: 16770791, 25007885).

Literature cited by the submitters: PubMed 2063877; PubMed 9007319; PubMed 25482253; PubMed 28247318; PubMed 16199547; PubMed 16770791; PubMed 25007885.

NC_000023.10:g.(?_31792138)_(32005679_?)del

Gene: DMD (dystrophin; minus strand). Cytogenetic location: Xp21.1.
Variant type: Deletion.
Identifiers: ClinVar variation 3243582 (VCV003243582.1).